The following is an entry in ClinVar:

NM_004064.5(CDKN1B):c.233A>C (p.Glu78Ala)

Gene: CDKN1B (cyclin dependent kinase inhibitor 1B; plus strand). Cytogenetic location: 12p13.1.
Variant type: single nucleotide variant.
Coding change: c.233A>C on transcript NM_004064.5 (MANE Select); coding-DNA position 233, A replaced by C.
Protein change: p.Glu78Ala; replaces glutamic acid 78 with alanine.
Molecular consequence: missense variant.
Genome position (GRCh38, 1-based): chr12:12,718,072, A>C. VCF-style: chr12-12718072-A-C. GRCh37 (hg19) VCF-style: chr12-12871006-A-C.
Other names: short protein forms E78A.
Identifiers: ClinVar variation 1789822 (VCV001789822.2), dbSNP rs2497404777, ClinGen allele CA383969687.

ClinVar aggregate classification (germline): Uncertain significance (1 of 4 stars; one submission).

Conditions:
Hereditary cancer-predisposing syndrome. Also called: Hereditary Cancer Syndrome; Hereditary neoplastic syndrome; Tumor predisposition; Neoplastic Syndromes, Hereditary. Identifiers: Orphanet 140162, MedGen C0027672, MeSH D009386, MONDO:0015356.

Submission:

Ambry Genetics
Classification: Uncertain significance for Hereditary cancer-predisposing syndrome. Last evaluated: 2019-05-13. Review status: criteria provided, single submitter. Criteria: Ambry Variant Classification Scheme 2023. Collection method: clinical testing. Allele origin: germline.
Comment: The p.E78A variant (also known as c.233A>C), located in coding exon 1 of the CDKN1B gene, results from an A to C substitution at nucleotide position 233. The glutamic acid at codon 78 is replaced by alanine, an amino acid with dissimilar properties. This amino acid position is not well conserved in available vertebrate species. In addition, this alteration is predicted to be tolerated by in silico analysis. Since supporting evidence is limited at this time, the clinical significance of this alteration remains unclear.